The following is an entry in ClinVar:

ClinVar aggregate classification (germline): Uncertain significance. Review status: criteria provided, multiple submitters, no conflicts (2 of 4 stars). 2 submissions from 2 submitters: Uncertain significance (2). Last evaluated 2024-07-02.

Allele frequency attached by ClinVar (database versions not stated): gnomAD 0.00001; gnomAD exomes 0.00001; ExAC 0.00002; TOPMed 0.00002.
gnomAD v4.1: 10 of 1,613,872 alleles (0.00062%); highest among the groups gnomAD compares: Admixed American, 0.013%; no homozygotes.

Submissions (2):

Ambry Genetics
Classification: Uncertain significance. Last evaluated: 2024-07-02. Review status: criteria provided, single submitter. Criteria: Ambry Variant Classification Scheme 2023. Collection method: clinical testing. Allele origin: germline.

Labcorp Genetics (formerly Invitae), Labcorp
Classification: Uncertain significance. Last evaluated: 2022-08-28. Review status: criteria provided, single submitter. Criteria: Invitae Variant Classification Sherloc (09022015). Collection method: clinical testing. Allele origin: germline.
Comment: This sequence change replaces leucine, which is neutral and non-polar, with valine, which is neutral and non-polar, at codon 72 of the CRYM protein (p.Leu72Val). This variant is present in population databases (rs754026201, gnomAD 0.02%). This variant has not been reported in the literature in individuals affected with CRYM-related conditions. Algorithms developed to predict the effect of missense changes on protein structure and function are either unavailable or do not agree on the potential impact of this missense change (SIFT: "Deleterious"; PolyPhen-2: "Possibly Damaging"; Align-GVGD: "Class C0"). In summary, the available evidence is currently insufficient to determine the role of this variant in disease. Therefore, it has been classified as a Variant of Uncertain Significance.

NM_001376256.1(CRYM):c.214C>G (p.Leu72Val)

Gene: CRYM (crystallin mu; minus strand). Cytogenetic location: 16p12.2.
Variant type: single nucleotide variant.
Coding change: c.214C>G on transcript NM_001376256.1 (MANE Select); coding-DNA position 214, C replaced by G.
Protein change: p.Leu72Val; replaces leucine 72 with valine.
Molecular consequence: missense variant.
Genome position (GRCh38, 1-based): chr16:21,277,541, G>C on the plus strand (C>G on the coding strand, the complement: CRYM is on the minus strand). VCF-style: chr16-21277541-G-C. GRCh37 (hg19) VCF-style: chr16-21288862-G-C.
Other names: c.214C>G, p.Leu72Val (NM_001888.5); c.214C>G (NM_001888.3); short protein forms L72V.
Identifiers: ClinVar variation 1916913 (VCV001916913.6), dbSNP rs754026201, ClinGen allele CA7950797.